The following is an entry in ClinVar:

NM_001457.4(FLNB):c.2779G>A (p.Asp927Asn)

Gene: FLNB (filamin B; plus strand). Cytogenetic location: 3p14.3.
Variant type: single nucleotide variant.
Coding change: c.2779G>A on transcript NM_001457.4 (MANE Select); coding-DNA position 2779, G replaced by A.
Protein change: p.Asp927Asn; replaces aspartic acid 927 with asparagine.
Molecular consequence: missense variant.
Genome position (GRCh38, 1-based): chr3:58,118,905, G>A. VCF-style: chr3-58118905-G-A. GRCh37 (hg19) VCF-style: chr3-58104632-G-A.
Other names: c.2779G>A (NM_001457.3); c.2779G>A, p.Asp927Asn (NM_001164317.2, NM_001164318.2, NM_001164319.2); short protein forms D927N.
Identifiers: ClinVar variation 1423739 (VCV001423739.11), dbSNP rs764553857, ClinGen allele CA2468235.

ClinVar aggregate classification (germline): Uncertain significance. Review status: criteria provided, multiple submitters, no conflicts (2 of 4 stars). 3 submissions from 3 submitters: Uncertain significance (3). Last evaluated 2025-08-17.

Conditions:
FLNB-related disorder. Also called: FLNB-related disorders; FLNB-related condition. Identifiers: MedGen CN381095.
Inborn genetic diseases. Identifiers: MedGen C0950123, MeSH D030342.

Allele frequency attached by ClinVar (database versions not stated): ExAC 0.00003; gnomAD exomes 0.00003 and 0.00004; TOPMed 0.00006; gnomAD 0.00007.
gnomAD v4.1: 75 of 1,613,854 alleles (0.0046%); highest among the groups gnomAD compares: African/African-American, 0.0067%; no homozygotes.

Submissions (3):

Labcorp Genetics (formerly Invitae), Labcorp
Classification: Uncertain significance. Last evaluated: 2025-08-17. Review status: criteria provided, single submitter. Criteria: Invitae Variant Classification Sherloc (09022015). Collection method: clinical testing. Allele origin: germline.
Comment: This sequence change replaces aspartic acid, which is acidic and polar, with asparagine, which is neutral and polar, at codon 927 of the FLNB protein (p.Asp927Asn). This variant is present in population databases (rs764553857, gnomAD 0.006%). This variant has not been reported in the literature in individuals affected with FLNB-related conditions. ClinVar contains an entry for this variant (Variation ID: 1423739). Invitae Evidence Modeling of protein sequence and biophysical properties (such as structural, functional, and spatial information, amino acid conservation, physicochemical variation, residue mobility, and thermodynamic stability) indicates that this missense variant is not expected to disrupt FLNB protein function with a negative predictive value of 95%. In summary, the available evidence is currently insufficient to determine the role of this variant in disease. Therefore, it has been classified as a Variant of Uncertain Significance.

Ambry Genetics
Classification: Uncertain significance for Inborn genetic diseases. Last evaluated: 2025-08-05. Review status: criteria provided, single submitter. Criteria: Ambry Variant Classification Scheme 2023. Collection method: clinical testing. Allele origin: germline.

PreventionGenetics, part of Exact Sciences
Classification: Uncertain significance for FLNB-related condition. Last evaluated: 2024-12-18. Review status: criteria provided, single submitter. Criteria: ACMG Guidelines, 2015. Collection method: clinical testing. Allele origin: germline.
Comment: The FLNB c.2779G>A variant is predicted to result in the amino acid substitution p.Asp927Asn. To our knowledge, this variant has not been reported in the literature. This variant is reported in 0.0062% of alleles in individuals of European (Non-Finnish) descent in gnomAD. At this time, the clinical significance of this variant is uncertain due to the absence of conclusive functional and genetic evidence.